The following is an entry in ClinVar:

ClinVar aggregate classification (germline): Conflicting classifications of pathogenicity. Review status: criteria provided, conflicting classifications (1 of 4 stars). 2 submissions from 2 submitters: Uncertain significance (1); Likely benign (1). Last evaluated 2024-11-13.

Allele frequency attached by ClinVar (database versions not stated): ExAC 0.00003; TOPMed 0.00002; gnomAD 0.00003.
gnomAD v4.1: 14 of 1,595,476 alleles (0.00088%); highest among the groups gnomAD compares: East Asian, 0.027%; no homozygotes.

Submissions (2):

Women's Health and Genetics/Laboratory Corporation of America, LabCorp
Classification: Uncertain significance. Last evaluated: 2024-11-13. Review status: criteria provided, single submitter. Criteria: LabCorp Variant Classification Summary - May 2015. Collection method: clinical testing. Allele origin: germline.
Comment: Variant summary: CCDC88C c.3358-6C>G alters a nucleotide located close to a canonical splice site and therefore could affect mRNA splicing, leading to a significantly altered protein sequence. Consensus agreement among computation tools predict no significant impact on normal splicing. However, these predictions have yet to be confirmed by functional studies. The variant allele was found at a frequency of 1.7e-05 in 239570 control chromosomes. The available data on variant occurrences in the general population are insufficient to allow any conclusion about variant significance. To our knowledge, no occurrence of c.3358-6C>G in individuals affected with CCDC88C-Related Disorders and no experimental evidence demonstrating its impact on protein function have been reported. ClinVar contains an entry for this variant (Variation ID: 722076). Based on the evidence outlined above, the variant was classified as uncertain significance.

Labcorp Genetics (formerly Invitae), Labcorp
Classification: Likely benign. Last evaluated: 2024-03-12. Review status: criteria provided, single submitter. Criteria: Invitae Variant Classification Sherloc (09022015). Collection method: clinical testing. Allele origin: germline.

NM_001080414.4(CCDC88C):c.3358-6C>G

Gene: CCDC88C (coiled-coil and HOOK domain protein 88C; minus strand). Cytogenetic location: 14q32.11.
Variant type: single nucleotide variant.
Coding change: c.3358-6C>G on transcript NM_001080414.4 (MANE Select); 6 bases into the intron before coding-DNA position 3358, C replaced by G.
Molecular consequence: intron variant.
Genome position (GRCh38, 1-based): chr14:91,303,984, G>C on the plus strand (C>G on the coding strand, the complement: CCDC88C is on the minus strand). VCF-style: chr14-91303984-G-C. GRCh37 (hg19) VCF-style: chr14-91770328-G-C.
Identifiers: ClinVar variation 722076 (VCV000722076.7), dbSNP rs375400399, ClinGen allele CA7309353.